The following is an entry in ClinVar:

NM_001130004.2(ACTN1):c.967C>T (p.His323Tyr)

Gene: ACTN1 (actinin alpha 1; minus strand). Cytogenetic location: 14q24.1.
Variant type: single nucleotide variant.
Coding change: c.967C>T on transcript NM_001130004.2 (MANE Select); coding-DNA position 967, C replaced by T.
Protein change: p.His323Tyr; replaces histidine 323 with tyrosine.
Molecular consequence: missense variant.
Genome position (GRCh38, 1-based): chr14:68,892,172, G>A on the plus strand (C>T on the coding strand, the complement: ACTN1 is on the minus strand). VCF-style: chr14-68892172-G-A. GRCh37 (hg19) VCF-style: chr14-69358889-G-A.
Other names: c.1054C>T, p.His352Tyr (NM_001424015.1); c.967C>T, p.His323Tyr (NM_001424016.1, NM_001424019.1, NM_001424023.1 and 9 more transcripts); c.964C>T, p.His322Tyr (NM_001424017.1); c.904C>T, p.His302Tyr (NM_001424018.1, NM_001424020.1, NM_001424022.1); c.898C>T, p.His300Tyr (NM_001424021.1); c.772C>T, p.His258Tyr (NM_001424026.1, NM_001424028.1, NM_001411036.1); c.142C>T, p.His48Tyr (NM_001424030.1); c.1093C>T, p.His365Tyr (NM_001424013.1); short protein forms H323Y, H352Y, H302Y, H322Y, H48Y, H258Y, H300Y, H365Y.
Identifiers: ClinVar variation 2990871 (VCV002990871.4), dbSNP rs1037348428, ClinGen allele CA262858330.

ClinVar aggregate classification (germline): Uncertain significance. Review status: criteria provided, multiple submitters, no conflicts (2 of 4 stars). 2 submissions from 2 submitters: Uncertain significance (2). Last evaluated 2025-11-19.

Conditions:
Inborn genetic diseases. Identifiers: MedGen C0950123, MeSH D030342.

Allele frequency attached by ClinVar (database versions not stated): gnomAD 0.00001; gnomAD exomes 0.00002; TOPMed 0.00002.
gnomAD v4.1: 32 of 1,614,042 alleles (0.002%); highest among the groups gnomAD compares: Non-Finnish European, 0.0024%; no homozygotes.

Submissions (2):

Ambry Genetics
Classification: Uncertain significance for Inborn genetic diseases. Last evaluated: 2025-11-19. Review status: criteria provided, single submitter. Criteria: Ambry Variant Classification Scheme 2023. Collection method: clinical testing. Allele origin: germline.

Labcorp Genetics (formerly Invitae), Labcorp
Classification: Uncertain significance. Last evaluated: 2022-11-15. Review status: criteria provided, single submitter. Criteria: Invitae Variant Classification Sherloc (09022015). Collection method: clinical testing. Allele origin: germline.
Comment: In summary, the available evidence is currently insufficient to determine the role of this variant in disease. Therefore, it has been classified as a Variant of Uncertain Significance. Advanced modeling of protein sequence and biophysical properties (such as structural, functional, and spatial information, amino acid conservation, physicochemical variation, residue mobility, and thermodynamic stability) performed at Invitae indicates that this missense variant is not expected to disrupt ACTN1 protein function. This variant has not been reported in the literature in individuals affected with ACTN1-related conditions. This variant is present in population databases (no rsID available, gnomAD 0.003%). This sequence change replaces histidine, which is basic and polar, with tyrosine, which is neutral and polar, at codon 323 of the ACTN1 protein (p.His323Tyr).